The following is an entry in ClinVar:

NM_015443.4(KANSL1):c.2420G>C (p.Ser807Thr)

Gene: KANSL1 (KAT8 regulatory NSL complex subunit 1). Cytogenetic location: 17q21.31.
Variant type: single nucleotide variant.
Coding change: c.2420G>C on transcript NM_015443.4 (MANE Select); coding-DNA position 2420, G replaced by C.
Protein change: p.Ser807Thr; replaces serine 807 with threonine.
Molecular consequence: missense variant.
Genome position (GRCh38, 1-based): chr17:46,038,659, C>G on the plus strand (G>C on the coding strand, the complement: KANSL1 is on the minus strand). VCF-style: chr17-46038659-C-G. GRCh37 (hg19) VCF-style: chr17-44116025-C-G.
Other names: c.2420G>C, p.Ser807Thr (NM_001193465.2, NM_001193466.2, NM_001379198.1); short protein forms S807T.
Identifiers: ClinVar variation 1342351 (VCV001342351.9), dbSNP rs1317184946, ClinGen allele CA399980553.

ClinVar aggregate classification (germline): Uncertain significance. Review status: criteria provided, multiple submitters, no conflicts (2 of 4 stars). 2 submissions from 2 submitters: Uncertain significance (2). Last evaluated 2024-05-21.

Conditions:
Koolen-de Vries syndrome (KDVS). Identifiers: Orphanet 96169, MedGen C1864871, MONDO:0012496, OMIM 610443.

Allele frequency attached by ClinVar (database versions not stated): gnomAD exomes below 0.00001; TOPMed below 0.00001.
gnomAD v4.1: 3 of 1,614,168 alleles (0.00019%); highest among the groups gnomAD compares: Admixed American, 0.0017%; no homozygotes.

Submissions (2):

Labcorp Genetics (formerly Invitae), Labcorp
Classification: Uncertain significance for Koolen-de Vries syndrome. Last evaluated: 2024-05-21. Review status: criteria provided, single submitter. Criteria: Invitae Variant Classification Sherloc (09022015). Collection method: clinical testing. Allele origin: germline.
Comment: This sequence change replaces serine, which is neutral and polar, with threonine, which is neutral and polar, at codon 807 of the KANSL1 protein (p.Ser807Thr). This variant is present in population databases (no rsID available, gnomAD 0.003%). This variant has not been reported in the literature in individuals affected with KANSL1-related conditions. ClinVar contains an entry for this variant (Variation ID: 1342351). Advanced modeling of protein sequence and biophysical properties (such as structural, functional, and spatial information, amino acid conservation, physicochemical variation, residue mobility, and thermodynamic stability) performed at Invitae indicates that this missense variant is not expected to disrupt KANSL1 protein function with a negative predictive value of 80%. In summary, the available evidence is currently insufficient to determine the role of this variant in disease. Therefore, it has been classified as a Variant of Uncertain Significance.

New York Genome Center
Classification: Uncertain significance for Koolen-de Vries syndrome. Last evaluated: 2021-03-24. Review status: criteria provided, single submitter. Criteria: NYGC Assertion Criteria 2020. Collection method: clinical testing. Allele origin: inherited. Observed: 1 heterozygote. Study: CSER-NYCKidSeq.